The following is an entry in ClinVar:

ClinVar aggregate classification (germline): Likely pathogenic (1 of 4 stars; one submission).

Allele frequency attached by ClinVar (database versions not stated): gnomAD 0.00001.
gnomAD v4.1: 2 of 1,612,606 alleles (0.00012%); highest among the groups gnomAD compares: African/African-American, 0.0027%; no homozygotes.

Submission:

Labcorp Genetics (formerly Invitae), Labcorp
Classification: Likely pathogenic. Last evaluated: 2023-02-13. Review status: criteria provided, single submitter. Criteria: Invitae Variant Classification Sherloc (09022015). Collection method: clinical testing. Allele origin: germline.
Comment: In summary, the currently available evidence indicates that the variant is pathogenic, but additional data are needed to prove that conclusively. Therefore, this variant has been classified as Likely Pathogenic. This variant disrupts the p.Gly292 amino acid residue in FOXRED1. Other variant(s) that disrupt this residue have been determined to be pathogenic (PMID: 31065540). This suggests that this residue is clinically significant, and that variants that disrupt this residue are likely to be disease-causing. Advanced modeling of protein sequence and biophysical properties (such as structural, functional, and spatial information, amino acid conservation, physicochemical variation, residue mobility, and thermodynamic stability) performed at Invitae indicates that this missense variant is expected to disrupt FOXRED1 protein function. This variant has not been reported in the literature in individuals affected with FOXRED1-related conditions. This variant is present in population databases (no rsID available, gnomAD 0.02%). This sequence change replaces glycine, which is neutral and non-polar, with valine, which is neutral and non-polar, at codon 292 of the FOXRED1 protein (p.Gly292Val).

Literature cited by the submitters: PubMed 31065540.

NM_017547.4(FOXRED1):c.875G>T (p.Gly292Val)

Gene: FOXRED1 (FAD dependent oxidoreductase domain containing 1; plus strand). Cytogenetic location: 11q24.2.
Variant type: single nucleotide variant.
Coding change: c.875G>T on transcript NM_017547.4 (MANE Select); coding-DNA position 875, G replaced by T.
Protein change: p.Gly292Val; replaces glycine 292 with valine.
Molecular consequence: missense variant. On other transcripts: non-coding transcript variant (2).
Genome position (GRCh38, 1-based): chr11:126,276,123, G>T. VCF-style: chr11-126276123-G-T. GRCh37 (hg19) VCF-style: chr11-126146018-G-T.
Other names: c.905G>T, p.Gly302Val (NM_001425160.1); c.875G>T, p.Gly292Val (NM_001425161.1, NM_001425163.1, NM_001425165.1 and 1 more transcripts); c.872G>T, p.Gly291Val (NM_001425164.1); c.773G>T, p.Gly258Val (NM_001425167.1); c.365G>T, p.Gly122Val (NM_001425168.1, NM_001425169.1, NM_001425170.1); c.314G>T, p.Gly105Val (NM_001425171.1, NM_001425172.1); c.242G>T, p.Gly81Val (NM_001425173.1, NM_001425174.1, NM_001425175.1); short protein forms G122V, G291V, G105V, G81V, G258V, G302V, G292V.
Identifiers: ClinVar variation 2776111 (VCV002776111.3), dbSNP rs1273553756, ClinGen allele CA383230616.
Genomic context (GRCh38, chr11:126,276,123, plus strand): 5'-AGATGGACCGCAGCCTGGAGTACCAGCCTGTGGAATGCGCCATTGTGATCAACGCAGCCG[G>T]AGCCTGGTCTGCGCAAATCGCAGCACTGGCTGGTGTTGGAGAGGGGCCGCCTGGCACCCT-3'
Protein context (NP_060017.1, residues 282-302): VECAIVINAA[Gly292Val]AWSAQIAALA